The following is an entry in ClinVar:

NM_001127208.3(TET2):c.367C>A (p.Arg123Ser)

Genes: TET2 (tet methylcytosine dioxygenase 2; plus strand), TET2-AS1 (TET2 antisense RNA 1; minus strand). Cytogenetic location: 4q24.
Variant type: single nucleotide variant.
Coding change: c.367C>A on transcript NM_001127208.3 (MANE Select); coding-DNA position 367, C replaced by A.
Protein change: p.Arg123Ser; replaces arginine 123 with serine.
Molecular consequence: missense variant.
Genome position (GRCh38, 1-based): chr4:105,234,309, C>A. VCF-style: chr4-105234309-C-A. GRCh37 (hg19) VCF-style: chr4-106155466-C-A.
Other names: c.367C>A, p.Arg123Ser (NM_017628.4); short protein forms R123S.
Identifiers: ClinVar variation 3806125 (VCV003806125.1).

ClinVar aggregate classification (germline): Uncertain significance (1 of 4 stars; one submission).

gnomAD v4.1: 1 of 1,614,074 alleles (0.000062%); highest among the groups gnomAD compares: East Asian, 0.0022%; no homozygotes.

Submission:

Ambry Genetics
Classification: Uncertain significance. Last evaluated: 2025-03-14. Review status: criteria provided, single submitter. Criteria: Ambry Variant Classification Scheme 2023. Collection method: clinical testing. Allele origin: germline.
Comment: The p.R123S variant (also known as c.367C>A), located in coding exon 1 of the TET2 gene, results from a C to A substitution at nucleotide position 367. The arginine at codon 123 is replaced by serine, an amino acid with dissimilar properties. This amino acid position is conserved. In addition, this alteration is predicted to be tolerated by in silico analysis. Based on the available evidence, the clinical significance of this variant remains unclear.